The following is an entry in ClinVar:

NM_138395.4(MARS2):c.407T>G (p.Ile136Ser)

Gene: MARS2 (methionyl-tRNA synthetase 2, mitochondrial; plus strand). Cytogenetic location: 2q33.1.
Variant type: single nucleotide variant.
Coding change: c.407T>G on transcript NM_138395.4 (MANE Select); coding-DNA position 407, T replaced by G.
Protein change: p.Ile136Ser; replaces isoleucine 136 with serine.
Molecular consequence: missense variant.
Genome position (GRCh38, 1-based): chr2:197,705,812, T>G. VCF-style: chr2-197705812-T-G. GRCh37 (hg19) VCF-style: chr2-198570536-T-G.
Other names: short protein forms I136S.
Identifiers: ClinVar variation 1931195 (VCV001931195.5), dbSNP rs935130140, ClinGen allele CA62878543.
Genomic context (GRCh38, chr2:197,705,812, plus strand): 5'-GAGTCTCTGAGCAGTTCCAGCAGCTTTTCCAGGAGGCCGGTATCTCCTGCACAGATTTCA[T>G]CCGCACCACGGAGGCCCGGCACCGGGTGGCTGTGCAGCACTTCTGGGGGGTGCTTAAGTC-3'
Protein context (NP_612404.1, residues 126-146): QEAGISCTDF[Ile136Ser]RTTEARHRVA

ClinVar aggregate classification (germline): Uncertain significance (1 of 4 stars; one submission).

Allele frequency attached by ClinVar (database versions not stated): gnomAD 0.00001; TOPMed 0.00002.
gnomAD v4.1: 2 of 1,613,652 alleles (0.00012%); highest among the groups gnomAD compares: African/African-American, 0.0027%; no homozygotes.

Submission:

Labcorp Genetics (formerly Invitae), Labcorp
Classification: Uncertain significance. Last evaluated: 2024-12-26. Review status: criteria provided, single submitter. Criteria: Invitae Variant Classification Sherloc (09022015). Collection method: clinical testing. Allele origin: germline.
Comment: This sequence change replaces isoleucine, which is neutral and non-polar, with serine, which is neutral and polar, at codon 136 of the MARS2 protein (p.Ile136Ser). This variant is present in population databases (no rsID available, gnomAD 0.01%). This variant has not been reported in the literature in individuals affected with MARS2-related conditions. ClinVar contains an entry for this variant (Variation ID: 1931195). Invitae Evidence Modeling of protein sequence and biophysical properties (such as structural, functional, and spatial information, amino acid conservation, physicochemical variation, residue mobility, and thermodynamic stability) indicates that this missense variant is not expected to disrupt MARS2 protein function with a negative predictive value of 80%. In summary, the available evidence is currently insufficient to determine the role of this variant in disease. Therefore, it has been classified as a Variant of Uncertain Significance.